The following is an entry in ClinVar:

ClinVar aggregate classification (germline): Conflicting classifications of pathogenicity. Review status: criteria provided, conflicting classifications (1 of 4 stars). 6 submissions from 6 submitters: Uncertain significance (1); Benign (1); Likely benign (4). Last evaluated 2026-05-27.

Conditions:
Developmental and epileptic encephalopathy, 42 (DEE42A). Also called: DEVELOPMENTAL AND EPILEPTIC ENCEPHALOPATHY 42A; EPILEPTIC ENCEPHALOPATHY, EARLY INFANTILE, 42A; Epileptic encephalopathy, early infantile, 42. Identifiers: MedGen C4310716, MONDO:0014917, OMIM 617106.
Episodic ataxia type 2 (EA2). Also called: ATAXIA, EPISODIC, WITH NYSTAGMUS; ATAXIA, FAMILIAL PAROXYSMAL; CEREBELLAR ATAXIA, PAROXYSMAL, ACETAZOLAMIDE-RESPONSIVE; CEREBELLOPATHY, HEREDITARY PAROXYSMAL; EPISODIC ATAXIA, NYSTAGMUS-ASSOCIATED; ACETAZOLAMIDE-RESPONSIVE HEREDITARY PAROXYSMAL CEREBELLAR ATAXIA. Identifiers: Orphanet 97, MedGen C1720416, MONDO:0007163, OMIM 108500.
CACNA1A-related disorder. Also called: CACNA1A-related condition.
Inborn genetic diseases. Identifiers: MedGen C0950123, MeSH D030342.

Allele frequency attached by ClinVar (database versions not stated): gnomAD 0.00001 and 0.00003; TOPMed 0.00002; gnomAD exomes 0.00008 and 0.00014; 1000 Genomes Project 30x 0.00016; ExAC 0.00016; 1000 Genomes Project 0.00020.
gnomAD v4.1: 117 of 1,608,082 alleles (0.0073%); highest among the groups gnomAD compares: South Asian, 0.059%; 1 homozygote.

Submissions (6):

Women's Health and Genetics/Laboratory Corporation of America, LabCorp
Classification: Uncertain significance. Last evaluated: 2026-05-27. Review status: criteria provided, single submitter. Criteria: LabCorp Variant Classification Summary - May 2015. Collection method: clinical testing. Allele origin: germline.
Comment: Variant summary: CACNA1A c.3311C>T (p.Pro1104Leu) results in a non-conservative amino acid change in the encoded protein sequence. Algorithms developed to predict the effect of missense changes on protein structure and function are either unavailable or do not agree on the potential impact of this missense change. The variant allele was found at a frequency of 0.00014 in 240118 control chromosomes in the gnomAD database, including 1 homozygotes. This frequency is not significantly higher than estimated for disease-causing variants in CACNA1A, allowing no conclusion about variant significance. To our knowledge, no occurrence of c.3311C>T in individuals affected with CACNA1A-related conditions and no experimental evidence demonstrating its impact on protein function have been reported. ClinVar contains an entry for this variant (Variation ID: 668285). Based on the evidence outlined above, the variant was classified as uncertain significance.

PreventionGenetics, part of Exact Sciences
Classification: Likely benign for CACNA1A-related condition. Last evaluated: 2026-03-24. Review status: criteria provided, single submitter. Criteria: ACMG Guidelines, 2015. Collection method: clinical testing. Allele origin: germline.
Comment: This variant is classified as likely benign based on ACMG/AMP sequence variant interpretation guidelines (Richards et al. 2015 PMID: 25741868, with internal and published modifications).

Labcorp Genetics (formerly Invitae), Labcorp
Classification: Benign for Developmental and epileptic encephalopathy, 42; Episodic ataxia type 2. Last evaluated: 2025-09-23. Review status: criteria provided, single submitter. Criteria: Invitae Variant Classification Sherloc (09022015). Collection method: clinical testing. Allele origin: germline.

Blueprint Genetics
Classification: Likely benign. Last evaluated: 2024-11-07. Review status: criteria provided, single submitter. Criteria: ACMG Guidelines, 2015. Collection method: clinical testing. Allele origin: germline.

Ambry Genetics
Classification: Likely benign for Inborn genetic diseases. Last evaluated: 2021-11-30. Review status: criteria provided, single submitter. Criteria: Ambry Variant Classification Scheme 2023. Collection method: clinical testing. Allele origin: germline.

GeneDx
Classification: Likely benign. Last evaluated: 2018-05-15. Review status: criteria provided, single submitter. Criteria: GeneDx Variant Classification (06012015). Collection method: clinical testing. Allele origin: germline. Affected: yes.
Comment: This variant is considered likely benign or benign based on one or more of the following criteria: it is a conservative change, it occurs at a poorly conserved position in the protein, it is predicted to be benign by multiple in silico algorithms, and/or has population frequency not consistent with disease.

NM_001127222.2(CACNA1A):c.3308C>T (p.Pro1103Leu)

Gene: CACNA1A (calcium voltage-gated channel subunit alpha1 A; minus strand). Cytogenetic location: 19p13.13.
Variant type: single nucleotide variant.
Coding change: c.3308C>T on transcript NM_001127222.2 (MANE Select); coding-DNA position 3308, C replaced by T.
Protein change: p.Pro1103Leu; replaces proline 1103 with leucine.
Molecular consequence: missense variant.
Genome position (GRCh38, 1-based): chr19:13,286,748, G>A on the plus strand (C>T on the coding strand, the complement: CACNA1A is on the minus strand). VCF-style: chr19-13286748-G-A. GRCh37 (hg19) VCF-style: chr19-13397562-G-A.
Other names: c.3320C>T, p.Pro1107Leu (NM_000068.4, NM_023035.3); c.3311C>T, p.Pro1104Leu (NM_001127221.2, NM_001174080.2); c.3308C>T (NM_001127222.1); short protein forms P1103L, P1104L, P1107L.
Identifiers: ClinVar variation 668285 (VCV000668285.14), dbSNP rs554455455, ClinGen allele CA9240363.